The following is an entry in ClinVar:

NM_017617.5(NOTCH1):c.1903+1G>A

Gene: NOTCH1 (notch receptor 1; minus strand). Cytogenetic location: 9q34.3.
Variant type: single nucleotide variant.
Coding change: c.1903+1G>A on transcript NM_017617.5 (MANE Select); the canonical splice donor site of the intron after coding-DNA position 1903, G replaced by A.
Molecular consequence: splice donor variant.
Genome position (GRCh38, 1-based): chr9:136,515,482, C>T on the plus strand (G>A on the coding strand, the complement: NOTCH1 is on the minus strand). VCF-style: chr9-136515482-C-T. GRCh37 (hg19) VCF-style: chr9-139409934-C-T.
Identifiers: ClinVar variation 5025794 (VCV005025794.1).

ClinVar aggregate classification (germline): Uncertain significance (1 of 4 stars; one submission).

Conditions:
Familial thoracic aortic aneurysm and aortic dissection (TAAD). Also called: Thoracic aortic aneurysms and dissections. Identifiers: Orphanet 91387, MedGen C4707243, MONDO:0019625.

Submission:

Ambry Genetics
Classification: Uncertain significance for Familial thoracic aortic aneurysm and aortic dissection. Last evaluated: 2026-06-30. Review status: criteria provided, single submitter. Criteria: Ambry Variant Classification Scheme 2023. Collection method: clinical testing. Allele origin: germline.
Comment: The c.1903+1G>A intronic variant results from a G to A substitution one nucleotide after coding exon 11 of the NOTCH1 gene. Variants that disrupt the canonical splice site are expected to result in aberrant splicing. In silico splice site analysis predicts that this alteration will weaken the native splice donor site. A resulting transcript is predicted to be in-frame and is not expected to trigger nonsense-mediated mRNAdecay; although, direct evidence is unavailable. This nucleotide position is highly conserved in available vertebrate species. Based on the available evidence, the clinical significance of this variant remains unclear.